The following is an entry in ClinVar:

NM_004333.6(BRAF):c.*111C>T

Gene: BRAF (B-Raf proto-oncogene, serine/threonine kinase; minus strand). Cytogenetic location: 7q34.
Variant type: single nucleotide variant.
Coding change: c.*111C>T on transcript NM_004333.6 (MANE Select); 111 bases downstream of the stop codon, C replaced by T.
Molecular consequence: 3 prime UTR variant. On other transcripts: intron variant (9).
Genome position (GRCh38, 1-based): chr7:140,734,486, G>A on the plus strand (C>T on the coding strand, the complement: BRAF is on the minus strand). VCF-style: chr7-140734486-G-A. GRCh37 (hg19) VCF-style: chr7-140434286-G-A.
Other names: c.*111C>T (NM_001374244.1, NM_001378469.1, NM_001378473.1); c.2127+5326C>T (NM_001378474.1, NM_001378468.1); c.2179+131C>T (NM_001378470.1); c.2017+131C>T (NM_001378475.1); c.2170+131C>T (NM_001378471.1); c.2281+131C>T (NM_001354609.2); c.2401+131C>T (NM_001374258.1); c.2290+131C>T (NM_001378467.1); and 1 more.
Identifiers: ClinVar variation 359042 (VCV000359042.5), dbSNP rs539860876, ClinGen allele CA10623323.

ClinVar aggregate classification (germline): Benign/Likely benign. Review status: criteria provided, single submitter (1 of 4 stars). 2 submissions from 1 submitter: Benign (1); Likely benign (1). Last evaluated 2018-01-12.

Conditions:
LEOPARD syndrome 3 (LPRD3). Identifiers: Orphanet 500, MedGen C3150971, MONDO:0013380, OMIM 613707.
Noonan syndrome 7 (NS7). Also called: BRAF-Related Noonan Syndrome. Identifiers: Orphanet 648, MedGen C3150970, MONDO:0013379, OMIM 613706.

Allele frequency attached by ClinVar (database versions not stated): gnomAD below 0.00001 and 0.00011; TOPMed 0.00001; gnomAD exomes 0.00015; 1000 Genomes Project 30x 0.00078; 1000 Genomes Project 0.00080.
gnomAD v4.1: 241 of 1,595,848 alleles (0.015%); highest among the groups gnomAD compares: South Asian, 0.25%; 1 homozygote.

Submissions (2):

Illumina Laboratory Services, Illumina
Classification: Benign for LEOPARD syndrome 3. Last evaluated: 2018-01-12. Review status: criteria provided, single submitter. Criteria: ICSL Variant Classification Criteria 13 December 2019. Collection method: clinical testing. Allele origin: germline.
Comment: This variant was observed in the ICSL laboratory as part of a predisposition screen in an ostensibly healthy population. It had not been previously curated by ICSL or reported in the Human Gene Mutation Database (HGMD: prior to June 1st, 2018), and was therefore a candidate for classification through an automated scoring system. Utilizing variant allele frequency, disease prevalence and penetrance estimates, and inheritance mode, an automated score was calculated to assess if this variant is too frequent to cause the disease. Based on the score and internal cut-off values, a variant classified as benign is not then subjected to further curation. The score for this variant resulted in a classification of benign for this disease.

Illumina Laboratory Services, Illumina
Classification: Likely benign for Noonan syndrome 7. Last evaluated: 2018-01-12. Review status: criteria provided, single submitter. Criteria: ICSL Variant Classification Criteria 13 December 2019. Collection method: clinical testing. Allele origin: germline.
Comment: This variant was observed in the ICSL laboratory as part of a predisposition screen in an ostensibly healthy population. It had not been previously curated by ICSL or reported in the Human Gene Mutation Database (HGMD: prior to June 1st, 2018), and was therefore a candidate for classification through an automated scoring system. Utilizing variant allele frequency, disease prevalence and penetrance estimates, and inheritance mode, an automated score was calculated to assess if this variant is too frequent to cause the disease. Based on the score and internal cut-off values, a variant classified as likely benign is not then subjected to further curation. The score for this variant resulted in a classification of likely benign for this disease.